The following is an entry in ClinVar:

ClinVar aggregate classification (germline): Uncertain significance. Review status: criteria provided, multiple submitters, no conflicts (2 of 4 stars). 2 submissions from 2 submitters: Uncertain significance (2). Last evaluated 2025-11-04.

Conditions:
Hereditary cancer-predisposing syndrome. Also called: Hereditary neoplastic syndrome; Tumor predisposition; Neoplastic Syndromes, Hereditary; Hereditary Cancer Syndrome. Identifiers: Orphanet 140162, MedGen C0027672, MeSH D009386, MONDO:0015356.
Renal cell carcinoma. Identifiers: Orphanet 217071, MedGen C0007134, MeSH D002292, MONDO:0005086, HP:0005584.

Allele frequency attached by ClinVar (database versions not stated): gnomAD exomes below 0.00001; TOPMed below 0.00001.
gnomAD v4.1: 2 of 1,614,136 alleles (0.00012%); highest among the groups gnomAD compares: Non-Finnish European, 0.00017%; no homozygotes.

Submissions (2):

Ambry Genetics
Classification: Uncertain significance for Hereditary cancer-predisposing syndrome. Last evaluated: 2025-11-04. Review status: criteria provided, single submitter. Criteria: Ambry Variant Classification Scheme 2023. Collection method: clinical testing. Allele origin: germline.
Comment: The p.E1396K variant (also known as c.4186G>A), located in coding exon 20 of the MET gene, results from a G to A substitution at nucleotide position 4186. The glutamic acid at codon 1396 is replaced by lysine, an amino acid with similar properties. This amino acid position is conserved. In addition, this alteration is predicted to be tolerated by in silico analysis. Based on the available evidence, the clinical significance of this variant remains unclear.

Labcorp Genetics (formerly Invitae), Labcorp
Classification: Uncertain significance for Renal cell carcinoma. Last evaluated: 2020-12-17. Review status: criteria provided, single submitter. Criteria: Invitae Variant Classification Sherloc (09022015). Collection method: clinical testing. Allele origin: germline.
Comment: In summary, the available evidence is currently insufficient to determine the role of this variant in disease. Therefore, it has been classified as a Variant of Uncertain Significance. Algorithms developed to predict the effect of missense changes on protein structure and function (SIFT, PolyPhen-2, Align-GVGD) all suggest that this variant is likely to be tolerated, but these predictions have not been confirmed by published functional studies and their clinical significance is uncertain. This variant has not been reported in the literature in individuals with MET-related conditions. This variant is not present in population databases (ExAC no frequency). This sequence change replaces glutamic acid with lysine at codon 1396 of the MET protein (p.Glu1396Lys). The glutamic acid residue is weakly conserved and there is a small physicochemical difference between glutamic acid and lysine.

NM_000245.4(MET):c.4132G>A (p.Glu1378Lys)

Gene: MET (MET proto-oncogene, receptor tyrosine kinase; plus strand). Cytogenetic location: 7q31.2.
Variant type: single nucleotide variant.
Coding change: c.4132G>A on transcript NM_000245.4 (MANE Select); coding-DNA position 4132, G replaced by A.
Protein change: p.Glu1378Lys; replaces glutamic acid 1378 with lysine.
Molecular consequence: missense variant.
Genome position (GRCh38, 1-based): chr7:116,796,083, G>A. VCF-style: chr7-116796083-G-A. GRCh37 (hg19) VCF-style: chr7-116436137-G-A.
Other names: c.4186G>A (NM_001127500.1); c.4186G>A, p.Glu1396Lys (NM_001127500.3); c.2842G>A, p.Glu948Lys (NM_001324402.2); short protein forms E948K, E1378K, E1396K.
Identifiers: ClinVar variation 1347836 (VCV001347836.9), dbSNP rs1795665686, ClinGen allele CA369118458.
Genomic context (GRCh38, chr7:116,796,083, plus strand): 5'-AACGTAAAATGTGTCGCTCCGTATCCTTCTCTGTTGTCATCAGAAGATAACGCTGATGAT[G>A]AGGTGGACACACGACCAGCCTCCTTCTGGGAGACATCATAGTGCTAGTACTATGTCAAAG-3'
Protein context (NP_000236.2, residues 1368-1388): LLSSEDNADD[Glu1378Lys]VDTRPASFWE